The following is an entry in ClinVar:

NM_053274.3(GLMN):c.1268del (p.Asn423fs)

Gene: GLMN (glomulin, FKBP associated protein; minus strand). Cytogenetic location: 1p22.1.
Variant type: Deletion.
Coding change: c.1268del on transcript NM_053274.3 (MANE Select); coding-DNA position 1268, one base deleted (A; older notation c.1268delA).
Protein change: p.Asn423fs; shifts the reading frame from asparagine 423.
Molecular consequence: frameshift variant.
Genome position (GRCh38, 1-based): chr1:92,264,585, T deleted on the plus strand (A on the coding strand, the reverse complement: GLMN is on the minus strand); the first of 4 consecutive T bases (chr1:92,264,585-92,264,588); deleting any one gives the same sequence. VCF-style (leftmost placement, unchanged base first): chr1-92264584-AT-A. GRCh37 (hg19) VCF-style: chr1-92730141-AT-A.
Other names: c.1226del, p.Asn409fs (NM_001319683.2); short protein forms N409fs, N423fs.
Identifiers: ClinVar variation 3765556 (VCV003765556.2).

ClinVar aggregate classification (germline): Pathogenic (1 of 4 stars; one submission).

Conditions:
Glomuvenous malformation. Also called: VENOUS MALFORMATIONS WITH GLOMUS CELLS; GLOMANGIOMAS, MULTIPLE; GLOMUS TUMORS, MULTIPLE; Familial glomangioma. Identifiers: Orphanet 83454, MedGen C1841984, MONDO:0007672, OMIM 138000.

Submission:

Gemeinschaftspraxis fuer Humangenetik Dresden
Classification: Pathogenic for Glomuvenous malformation. Last evaluated: 2025-02-14. Review status: criteria provided, single submitter. Criteria: ACMG Guidelines, 2015. Collection method: clinical testing. Allele origin: germline. Inheritance: Autosomal dominant inheritance. Affected: yes.
Comment: The variant c.1268del, p.(Asn423Ilefs*10) is not reported in HGMD 2024.4, dbSNP (v156) or LOVD (we submitted there) so far. Due to the protein truncating character the variant is classified as pathogenic.